The following is an entry in ClinVar:

NM_172107.4(KCNQ2):c.353A>G (p.Tyr118Cys)

Gene: KCNQ2 (potassium voltage-gated channel subfamily Q member 2; minus strand). Cytogenetic location: 20q13.33.
Variant type: single nucleotide variant.
Coding change: c.353A>G on transcript NM_172107.4 (MANE Select); coding-DNA position 353, A replaced by G.
Protein change: p.Tyr118Cys; replaces tyrosine 118 with cysteine.
Molecular consequence: missense variant.
Genome position (GRCh38, 1-based): chr20:63,446,781, T>C on the plus strand (A>G on the coding strand, the complement: KCNQ2 is on the minus strand). VCF-style: chr20-63446781-T-C. GRCh37 (hg19) VCF-style: chr20-62078134-T-C.
Other names: c.353A>G, p.Tyr118Cys (NM_001382235.1, NM_004518.6, NM_172106.3 and 2 more transcripts); short protein forms Y118C.
Identifiers: ClinVar variation 3393867 (VCV003393867.3).

ClinVar aggregate classification (germline): Uncertain significance. Review status: criteria provided, multiple submitters, no conflicts (2 of 4 stars). 2 submissions from 2 submitters: Uncertain significance (2). Last evaluated 2025-03-17.

Conditions:
Early-infantile DEE. Also called: Ohtahara syndrome; Early infantile epileptic encephalopathy; Early infantile epileptic encephalopathy with suppression bursts. Identifiers: Orphanet 1934, MedGen C0393706, MONDO:0800491.

gnomAD v4.1: 1 of 1,613,442 alleles (0.000062%); highest among the groups gnomAD compares: Non-Finnish European, 0.000085%; no homozygotes.

Submissions (2):

Labcorp Genetics (formerly Invitae), Labcorp
Classification: Uncertain significance for Early-infantile DEE. Last evaluated: 2025-03-17. Review status: criteria provided, single submitter. Criteria: Invitae Variant Classification Sherloc (09022015). Collection method: clinical testing. Allele origin: germline.
Comment: This sequence change replaces tyrosine, which is neutral and polar, with cysteine, which is neutral and slightly polar, at codon 118 of the KCNQ2 protein (p.Tyr118Cys). This variant is not present in population databases (gnomAD no frequency). This variant has not been reported in the literature in individuals affected with KCNQ2-related conditions. ClinVar contains an entry for this variant (Variation ID: 3393867). Invitae Evidence Modeling of protein sequence and biophysical properties (such as structural, functional, and spatial information, amino acid conservation, physicochemical variation, residue mobility, and thermodynamic stability) indicates that this missense variant is expected to disrupt KCNQ2 protein function with a positive predictive value of 95%. In summary, the available evidence is currently insufficient to determine the role of this variant in disease. Therefore, it has been classified as a Variant of Uncertain Significance.

GeneDx
Classification: Uncertain significance. Last evaluated: 2024-07-03. Review status: criteria provided, single submitter. Criteria: GeneDx Variant Classification Process June 2021. Collection method: clinical testing. Allele origin: germline. Affected: yes.
Comment: Not observed at significant frequency in large population cohorts (gnomAD); In silico analysis supports that this missense variant has a deleterious effect on protein structure/function; Has not been previously published as pathogenic or benign to our knowledge